The following is an entry in ClinVar:

ClinVar aggregate classification (germline): Uncertain significance (1 of 4 stars; one submission).

Conditions:
Hereditary cancer-predisposing syndrome. Also called: Neoplastic Syndromes, Hereditary; Hereditary Cancer Syndrome; Hereditary neoplastic syndrome; Tumor predisposition. Identifiers: Orphanet 140162, MedGen C0027672, MeSH D009386, MONDO:0015356.

Submission:

Ambry Genetics
Classification: Uncertain significance for Hereditary cancer-predisposing syndrome. Last evaluated: 2023-05-15. Review status: criteria provided, single submitter. Criteria: Ambry Variant Classification Scheme 2023. Collection method: clinical testing. Allele origin: germline.
Comment: The p.E411V variant (also known as c.1232A>T), located in coding exon 11 of the PMS2 gene, results from an A to T substitution at nucleotide position 1232. The glutamic acid at codon 411 is replaced by valine, an amino acid with dissimilar properties. This amino acid position is conserved. In addition, this alteration is predicted to be tolerated by in silico analysis. Since supporting evidence is limited at this time, the clinical significance of this alteration remains unclear.

NM_000535.7(PMS2):c.1232A>T (p.Glu411Val)

Gene: PMS2 (PMS1 homolog 2, mismatch repair system component; minus strand). Cytogenetic location: 7p22.1.
Variant type: single nucleotide variant.
Coding change: c.1232A>T on transcript NM_000535.7 (MANE Select); coding-DNA position 1232, A replaced by T.
Protein change: p.Glu411Val; replaces glutamic acid 411 with valine.
Molecular consequence: missense variant. On other transcripts: non-coding transcript variant (1), intron variant (1).
Genome position (GRCh38, 1-based): chr7:5,987,533, T>A on the plus strand (A>T on the coding strand, the complement: PMS2 is on the minus strand). VCF-style: chr7-5987533-T-A. GRCh37 (hg19) VCF-style: chr7-6027164-T-A.
Other names: c.827A>T, p.Glu276Val (NM_001018040.1, NM_001322003.2, NM_001322004.2 and 17 more transcripts); c.1076A>T, p.Glu359Val (NM_001322006.2, NM_001406870.1); c.914A>T, p.Glu305Val (NM_001322007.2, NM_001322008.2, NM_001406876.1 and 2 more transcripts); c.671A>T, p.Glu224Val (NM_001322010.2, NM_001406906.1, NM_001406907.1); c.299A>T, p.Glu100Val (NM_001322011.2, NM_001322012.2); c.659A>T, p.Glu220Val (NM_001322013.2, NM_001406909.1); c.1232A>T, p.Glu411Val (NM_001322014.2, NM_001406871.1, NM_001406872.1); c.923A>T, p.Glu308Val (NM_001322015.2, NM_001406875.1, NM_001406877.1 and 5 more transcripts); and 13 more; short protein forms E299V, E355V, E100V, E154V, E224V, E253V, E276V, E303V.
Identifiers: ClinVar variation 2560971 (VCV002560971.2), dbSNP rs587782832, ClinGen allele CA366742515.